The following is an entry in ClinVar:

NM_000298.6(PKLR):c.514G>C (p.Glu172Gln)

Gene: PKLR (pyruvate kinase L/R; minus strand). Cytogenetic location: 1q22.
Variant type: single nucleotide variant.
Coding change: c.514G>C on transcript NM_000298.6 (MANE Select); coding-DNA position 514, G replaced by C.
Protein change: p.Glu172Gln; replaces glutamic acid 172 with glutamine.
Molecular consequence: missense variant.
Genome position (GRCh38, 1-based): chr1:155,295,296, C>G on the plus strand (G>C on the coding strand, the complement: PKLR is on the minus strand). VCF-style: chr1-155295296-C-G. GRCh37 (hg19) VCF-style: chr1-155265087-C-G.
Other names: p.Glu172Gln; c.421G>C, p.Glu141Gln (NM_181871.4); c.514G>C (NM_000298.5); short protein forms E141Q, E172Q.
Identifiers: ClinVar variation 2202854 (VCV002202854.9), dbSNP rs757359024, ClinGen allele CA1144289.

ClinVar aggregate classification (germline): Conflicting classifications of pathogenicity. Review status: criteria provided, conflicting classifications (1 of 4 stars). 4 submissions from 4 submitters: Likely pathogenic (2); Uncertain significance (2). Last evaluated 2025-03-07.

Conditions:
PKLR-related disorder. Also called: PKLR-related condition.

Allele frequency attached by ClinVar (database versions not stated): ExAC 0.00001; gnomAD 0.00001; TOPMed 0.00003.
gnomAD v4.1: 9 of 1,613,924 alleles (0.00056%); highest among the groups gnomAD compares: Non-Finnish European, 0.00076%; no homozygotes.

Submissions (4):

Mayo Clinic Laboratories, Mayo Clinic
Classification: Likely pathogenic. Last evaluated: 2025-03-07. Review status: criteria provided, single submitter. Criteria: ACMG Guidelines, 2015. Collection method: clinical testing. Allele origin: germline. Observed: 1 variant allele.
Comment: PM1, PM2_supporting, PM3, PS4_supporting

PreventionGenetics, part of Exact Sciences
Classification: Uncertain significance for PKLR-related condition. Last evaluated: 2023-02-17. Review status: criteria provided, single submitter. Criteria: ACMG Guidelines, 2015. Collection method: clinical testing. Allele origin: germline.
Comment: The PKLR c.514G>C variant is predicted to result in the amino acid substitution p.Glu172Gln. This variant was reported in the homozygous state in a patient with pyruvate kinase deficiency (Zanella et al. 1997. PubMed ID: 9160692). This variant is reported in 0.00089% of alleles in individuals of European (Non-Finnish) descent in gnomAD. Although we suspect that this variant may be pathogenic, at this time, the clinical significance of this variant is uncertain due to the absence of conclusive functional and genetic evidence.

Revvity Omics, Revvity
Classification: Uncertain significance. Last evaluated: 2022-07-07. Review status: criteria provided, single submitter. Criteria: ACMG Guidelines, 2015. Collection method: clinical testing. Allele origin: germline.

Labcorp Genetics (formerly Invitae), Labcorp
Classification: Likely pathogenic. Last evaluated: 2022-05-27. Review status: criteria provided, single submitter. Criteria: Invitae Variant Classification Sherloc (09022015). Collection method: clinical testing. Allele origin: germline.
Comment: This sequence change replaces glutamic acid, which is acidic and polar, with glutamine, which is neutral and polar, at codon 172 of the PKLR protein (p.Glu172Gln). This variant is present in population databases (rs757359024, gnomAD 0.002%). This missense change has been observed in individual(s) with pyruvate kinase deficiency (PMID: 9160692, 9827908, 17360088; Invitae). Algorithms developed to predict the effect of missense changes on protein structure and function (SIFT, PolyPhen-2, Align-GVGD) all suggest that this variant is likely to be tolerated. In summary, the currently available evidence indicates that the variant is pathogenic, but additional data are needed to prove that conclusively. Therefore, this variant has been classified as Likely Pathogenic.

Literature cited by the submitters: PubMed 17360088 (cited by Mayo Clinic Laboratories, Mayo Clinic and Labcorp Genetics (formerly Invitae), Labcorp); PubMed 9160692 (cited by Mayo Clinic Laboratories, Mayo Clinic and Labcorp Genetics (formerly Invitae), Labcorp); PubMed 9827908 (cited by Labcorp Genetics (formerly Invitae), Labcorp).